The following is an entry in ClinVar:

NM_001130965.3(SUN1):c.2067C>T (p.Ala689=)

Gene: SUN1 (Sad1 and UNC84 domain containing 1; plus strand). Cytogenetic location: 7p22.3.
Variant type: single nucleotide variant.
Coding change: c.2067C>T on transcript NM_001130965.3 (MANE Select); coding-DNA position 2067, C replaced by T.
Protein change: p.Ala689=; no amino-acid change (alanine 689 retained).
Molecular consequence: synonymous variant. On other transcripts: non-coding transcript variant (3).
Genome position (GRCh38, 1-based): chr7:869,435, C>T. VCF-style: chr7-869435-C-T. GRCh37 (hg19) VCF-style: chr7-909072-C-T.
Other names: c.1758C>T, p.Ala586= (NM_001171944.2); c.2067C>T, p.Ala689= (NM_001367633.1, NM_001367634.1, NM_001367653.1); c.1716C>T, p.Ala572= (NM_001367635.1); c.2307C>T, p.Ala769= (NM_001367636.1, NM_001367691.1); c.2175C>T, p.Ala725= (NM_001367638.1); c.1608C>T, p.Ala536= (NM_001367639.1); c.2247C>T, p.Ala749= (NM_001367640.1); c.2349C>T, p.Ala783= (NM_001367641.1, NM_001367682.1); and 43 more.
Identifiers: ClinVar variation 461647 (VCV000461647.14), dbSNP rs143436648, ClinGen allele CA4112479.

ClinVar aggregate classification (germline): Benign. Review status: criteria provided, single submitter (1 of 4 stars). 2 submissions from 2 submitters: Benign (1). 1 of the submissions does not count toward it. Last evaluated 2025-10-08.

Conditions:
SUN1-related disorder. Also called: SUN1-related condition.
Emery-Dreifuss muscular dystrophy (EDMD). Also called: Scapuloperoneal syndrome, X-linked (formerly); Humeroperoneal neuromuscular disease, (formerly). Identifiers: Orphanet 261, MedGen C0410189, MONDO:0016830.

Allele frequency attached by ClinVar (database versions not stated): gnomAD exomes 0.00016 and 0.00044; ExAC 0.00056; TOPMed 0.00161; gnomAD 0.00170 and 0.00178; ESP Exome Variant Server 0.00192; 1000 Genomes Project 0.00300; 1000 Genomes Project 30x 0.00312.
gnomAD v4.1: 500 of 1,613,888 alleles (0.031%); highest among the groups gnomAD compares: African/African-American, 0.58%; 1 homozygote.

Submissions (2):

Labcorp Genetics (formerly Invitae), Labcorp
Classification: Benign for Emery-Dreifuss muscular dystrophy. Last evaluated: 2025-10-08. Review status: criteria provided, single submitter. Criteria: Invitae Variant Classification Sherloc (09022015). Collection method: clinical testing. Allele origin: germline.

PreventionGenetics, part of Exact Sciences
Classification: Likely benign for SUN1-related condition. Last evaluated: 2019-12-26. Review status: no assertion criteria provided. Collection method: clinical testing. Allele origin: germline. Not counted in ClinVar's aggregate classification.
Comment: This variant is classified as likely benign based on ACMG/AMP sequence variant interpretation guidelines (Richards et al. 2015 PMID: 25741868, with internal and published modifications).